The following is an entry in ClinVar:

ClinVar aggregate classification (germline): Likely benign. Review status: criteria provided, multiple submitters, no conflicts (2 of 4 stars). 2 submissions from 2 submitters: Likely benign (2). Last evaluated 2022-02-06.

Conditions:
Episodic ataxia type 2 (EA2). Also called: ATAXIA, EPISODIC, WITH NYSTAGMUS; ATAXIA, FAMILIAL PAROXYSMAL; CEREBELLAR ATAXIA, PAROXYSMAL, ACETAZOLAMIDE-RESPONSIVE; CEREBELLOPATHY, HEREDITARY PAROXYSMAL; EPISODIC ATAXIA, NYSTAGMUS-ASSOCIATED; ACETAZOLAMIDE-RESPONSIVE HEREDITARY PAROXYSMAL CEREBELLAR ATAXIA. Identifiers: Orphanet 97, MedGen C1720416, MONDO:0007163, OMIM 108500.
Developmental and epileptic encephalopathy, 42 (DEE42A). Also called: Epileptic encephalopathy, early infantile, 42; DEVELOPMENTAL AND EPILEPTIC ENCEPHALOPATHY 42A; EPILEPTIC ENCEPHALOPATHY, EARLY INFANTILE, 42A. Identifiers: MedGen C4310716, MONDO:0014917, OMIM 617106.

Allele frequency attached by ClinVar (database versions not stated): gnomAD 0.00001; TOPMed 0.00001; ExAC 0.00003; gnomAD exomes 0.00003 and 0.00004.
gnomAD v4.1: 44 of 1,612,490 alleles (0.0027%); highest among the groups gnomAD compares: South Asian, 0.041%; no homozygotes.

Submissions (2):

Labcorp Genetics (formerly Invitae), Labcorp
Classification: Likely benign for Developmental and epileptic encephalopathy, 42; Episodic ataxia type 2. Last evaluated: 2022-02-06. Review status: criteria provided, single submitter. Criteria: Invitae Variant Classification Sherloc (09022015). Collection method: clinical testing. Allele origin: germline.

GeneDx
Classification: Likely benign. Last evaluated: 2016-02-02. Review status: criteria provided, single submitter. Criteria: GeneDx Variant Classification (06012015). Collection method: clinical testing. Allele origin: germline. Affected: yes.
Comment: This variant is considered likely benign or benign based on one or more of the following criteria: it is a conservative change, it occurs at a poorly conserved position in the protein, it is predicted to be benign by multiple in silico algorithms, and/or has population frequency not consistent with disease.

NM_001127222.2(CACNA1A):c.1230C>T (p.Asp410=)

Gene: CACNA1A (calcium voltage-gated channel subunit alpha1 A; minus strand). Cytogenetic location: 19p13.13.
Variant type: single nucleotide variant.
Coding change: c.1230C>T on transcript NM_001127222.2 (MANE Select); coding-DNA position 1230, C replaced by T.
Protein change: p.Asp410=; no amino-acid change (aspartic acid 410 retained).
Molecular consequence: synonymous variant.
Genome position (GRCh38, 1-based): chr19:13,332,894, G>A on the plus strand (C>T on the coding strand, the complement: CACNA1A is on the minus strand). VCF-style: chr19-13332894-G-A. GRCh37 (hg19) VCF-style: chr19-13443708-G-A.
Other names: c.1230C>T, p.Asp410= (NM_000068.4, NM_001127221.2, NM_001174080.2 and 1 more transcripts).
Identifiers: ClinVar variation 383167 (VCV000383167.6), dbSNP rs751952553, ClinGen allele CA9240875.